The following is an entry in ClinVar:

ClinVar aggregate classification (germline): Uncertain significance. Review status: criteria provided, multiple submitters, no conflicts (2 of 4 stars). 2 submissions from 2 submitters: Uncertain significance (2). Last evaluated 2025-11-20.

Conditions:
Inborn genetic diseases. Identifiers: MedGen C0950123, MeSH D030342.

Allele frequency attached by ClinVar (database versions not stated): gnomAD 0.00001; ExAC 0.00002.
gnomAD v4.1: 14 of 1,614,040 alleles (0.00087%); highest among the groups gnomAD compares: Middle Eastern, 0.033%; no homozygotes.

Submissions (2):

Ambry Genetics
Classification: Uncertain significance for Inborn genetic diseases. Last evaluated: 2025-11-20. Review status: criteria provided, single submitter. Criteria: Ambry Variant Classification Scheme 2023. Collection method: clinical testing. Allele origin: germline.

Labcorp Genetics (formerly Invitae), Labcorp
Classification: Uncertain significance. Last evaluated: 2022-06-19. Review status: criteria provided, single submitter. Criteria: Invitae Variant Classification Sherloc (09022015). Collection method: clinical testing. Allele origin: germline.
Comment: This sequence change replaces aspartic acid, which is acidic and polar, with asparagine, which is neutral and polar, at codon 102 of the ITGA6 protein (p.Asp102Asn). This variant is present in population databases (rs753805092, gnomAD 0.004%). This variant has not been reported in the literature in individuals affected with ITGA6-related conditions. Algorithms developed to predict the effect of missense changes on protein structure and function output the following: SIFT: "Tolerated"; PolyPhen-2: "Benign"; Align-GVGD: "Class C0". The asparagine amino acid residue is found in multiple mammalian species, which suggests that this missense change does not adversely affect protein function. In summary, the available evidence is currently insufficient to determine the role of this variant in disease. Therefore, it has been classified as a Variant of Uncertain Significance.

NM_000210.4(ITGA6):c.304G>A (p.Asp102Asn)

Genes: ITGA6 (integrin subunit alpha 6; plus strand), ITGA6-AS1 (ITGA6 and PDK1 antisense RNA 1; minus strand), PDK1-AS1 (PDK1 and ITGA6 antisense RNA 1; minus strand). Cytogenetic location: 2q31.1.
Variant type: single nucleotide variant.
Coding change: c.304G>A on transcript NM_000210.4 (MANE Select); coding-DNA position 304, G replaced by A.
Protein change: p.Asp102Asn; replaces aspartic acid 102 with asparagine.
Molecular consequence: missense variant. On other transcripts: 5 prime UTR variant (1).
Genome position (GRCh38, 1-based): chr2:172,465,660, G>A. VCF-style: chr2-172465660-G-A. GRCh37 (hg19) VCF-style: chr2-173330388-G-A.
Other names: c.304G>A, p.Asp102Asn (NM_001079818.3, NM_001365529.2, NM_001365530.2 and 1 more transcripts); c.-39G>A (NM_001316306.2); c.304G>A (NM_000210.2); short protein forms D102N.
Identifiers: ClinVar variation 2419235 (VCV002419235.4), dbSNP rs753805092, ClinGen allele CA1967780.
Genomic context (GRCh38, chr2:172,465,660, plus strand): 5'-GGGCTGTACAGCTGCGACATCACCGCCCGGGGGCCATGCACGCGGATCGAGTTTGATAAC[G>A]ATGGTGCGTTCCTTTCCCTCACTCAGCGTTCACTCCGGCAGCTTGCCTGTACTGTTTCCA-3'
Protein context (NP_000201.2, residues 92-112): GPCTRIEFDN[Asp102Asn]ADPTSESKED